The following is an entry in ClinVar:

NM_006230.4(POLD2):c.874G>A (p.Val292Met)

Gene: POLD2 (DNA polymerase delta 2, accessory subunit; minus strand). Cytogenetic location: 7p13.
Variant type: single nucleotide variant.
Coding change: c.874G>A on transcript NM_006230.4 (MANE Select); coding-DNA position 874, G replaced by A.
Protein change: p.Val292Met; replaces valine 292 with methionine.
Molecular consequence: missense variant.
Genome position (GRCh38, 1-based): chr7:44,116,260, C>T on the plus strand (G>A on the coding strand, the complement: POLD2 is on the minus strand). VCF-style: chr7-44116260-C-T. GRCh37 (hg19) VCF-style: chr7-44155859-C-T.
Other names: c.874G>A, p.Val292Met (NM_001127218.3, NM_001256879.2); short protein forms V292M.
Identifiers: ClinVar variation 2890425 (VCV002890425.3), dbSNP rs761916622, ClinGen allele CA4238688.
Genomic context (GRCh38, chr7:44,116,260, plus strand): 5'-GGAGGGGCTGCTGGGGGAGCGTGTAATTGGTGGGATCAAACTCGCCTGGCATCACGTCCA[C>T]GGGCACTGAGGCCTGGAAGGCACAGGGCAGGGAGAGCTCACAGGGCCCCGAAGGAGCCCC-3'
Protein context (NP_006221.3, residues 282-302): ILLQLSASVP[Val292Met]DVMPGEFDPT

ClinVar aggregate classification (germline): Uncertain significance (1 of 4 stars; one submission).

Allele frequency attached by ClinVar (database versions not stated): gnomAD 0.00002; gnomAD exomes 0.00003; TOPMed 0.00004; ExAC 0.00003.
gnomAD v4.1: 45 of 1,609,826 alleles (0.0028%); highest among the groups gnomAD compares: Middle Eastern, 0.017%; no homozygotes.

Submission:

Labcorp Genetics (formerly Invitae), Labcorp
Classification: Uncertain significance. Last evaluated: 2025-03-31. Review status: criteria provided, single submitter. Criteria: Invitae Variant Classification Sherloc (09022015). Collection method: clinical testing. Allele origin: germline.
Comment: This sequence change replaces valine, which is neutral and non-polar, with methionine, which is neutral and non-polar, at codon 327 of the POLD2 protein (p.Val327Met). This variant is present in population databases (rs761916622, gnomAD 0.004%). This variant has not been reported in the literature in individuals affected with POLD2-related conditions. ClinVar contains an entry for this variant (Variation ID: 2890425). Experimental studies and prediction algorithms are not available or were not evaluated, and the functional significance of this variant is currently unknown. In summary, the available evidence is currently insufficient to determine the role of this variant in disease. Therefore, it has been classified as a Variant of Uncertain Significance.